The following is an entry in ClinVar:

NM_021625.5(TRPV4):c.1392C>T (p.Arg464=)

Gene: TRPV4 (transient receptor potential cation channel subfamily V member 4; minus strand). Cytogenetic location: 12q24.11.
Variant type: single nucleotide variant.
Coding change: c.1392C>T on transcript NM_021625.5 (MANE Select); coding-DNA position 1392, C replaced by T.
Protein change: p.Arg464=; no amino-acid change (arginine 464 retained).
Molecular consequence: synonymous variant.
Genome position (GRCh38, 1-based): chr12:109,794,428, G>A on the plus strand (C>T on the coding strand, the complement: TRPV4 is on the minus strand). VCF-style: chr12-109794428-G-A. GRCh37 (hg19) VCF-style: chr12-110232233-G-A.
Other names: p.Arg464=; c.1251C>T, p.Arg417= (NM_001177428.2); c.1290C>T, p.Arg430= (NM_001177431.2); c.1071C>T, p.Arg357= (NM_001177433.2); c.1212C>T, p.Arg404= (NM_147204.3).
Identifiers: ClinVar variation 579640 (VCV000579640.14), dbSNP rs182609216, ClinGen allele CA6780252.

ClinVar aggregate classification (germline): Conflicting classifications of pathogenicity. Review status: criteria provided, conflicting classifications (1 of 4 stars). 4 submissions from 4 submitters: Uncertain significance (2); Likely benign (2). Last evaluated 2026-08-01.

Conditions:
TRPV4-related disorder. Also called: TRPV4-related disorders; TRPV4-related condition.
Neuronopathy, distal hereditary motor, autosomal dominant 8. Also called: SPINAL MUSCULAR ATROPHY, CONGENITAL BENIGN, WITH CONTRACTURES; Autosomal dominant congenital benign spinal muscular atrophy; NEURONOPATHY, DISTAL HEREDITARY MOTOR, TYPE VIII; NEUROPATHY, DISTAL HEREDITARY MOTOR, TYPE VIII. Identifiers: Orphanet 1216, MedGen C1838492, MONDO:0010839, OMIM 600175.
TRPV4-related bone disorder. Identifiers: Orphanet 364820, MedGen C5680977, MONDO:0018240.
Scapuloperoneal spinal muscular atrophy (SPSMA). Also called: Scapuloperoneal spinal muscular atrophy, autosomal dominant; Scapuloperoneal Spinal Muscular Atrophy, TRPV4-Related; AMYOTROPHY, NEUROGENIC SCAPULOPERONEAL, NEW ENGLAND TYPE; Scapuloperoneal Form of Spinal Muscular Atrophy. Identifiers: Orphanet 431255, MedGen C0751335, MONDO:0008408, OMIM 181405.
Charcot-Marie-Tooth disease axonal type 2C (HMSN2C). Also called: Charcot-Marie-Tooth Disease Type 2, TRPV4-Related (CMT2C); CHARCOT-MARIE-TOOTH DISEASE, AXONAL, AUTOSOMAL DOMINANT, TYPE 2C; Charcot-Marie-Tooth Neuropathy Type 2C. Identifiers: Orphanet 99937, MedGen C1853710, MONDO:0011633, OMIM 606071.

Allele frequency attached by ClinVar (database versions not stated): gnomAD 0.00001 and 0.00003; TOPMed 0.00001; ExAC 0.00002; gnomAD exomes 0.00002; 1000 Genomes Project 30x 0.00016; 1000 Genomes Project 0.00020.
gnomAD v4.1: 56 of 1,614,090 alleles (0.0035%); highest among the groups gnomAD compares: Non-Finnish European, 0.0042%; no homozygotes.

Submissions (4):

CeGaT Center for Human Genetics Tuebingen
Classification: Likely benign. Last evaluated: 2026-08-01. Review status: criteria provided, single submitter. Criteria: CeGaT Center For Human Genetics Tuebingen Variant Classification Criteria Version 2. Collection method: clinical testing. Allele origin: germline. Affected: yes. Observed: 1 variant allele.
Comment: TRPV4: BS1

Labcorp Genetics (formerly Invitae), Labcorp
Classification: Likely benign for Charcot-Marie-Tooth disease axonal type 2C. Last evaluated: 2025-12-29. Review status: criteria provided, single submitter. Criteria: Invitae Variant Classification Sherloc (09022015). Collection method: clinical testing. Allele origin: germline.

PreventionGenetics, part of Exact Sciences
Classification: Uncertain significance for TRPV4-related condition. Last evaluated: 2025-11-17. Review status: criteria provided, single submitter. Criteria: ACMG Guidelines, 2015. Collection method: clinical testing. Allele origin: germline.
Comment: The TRPV4 c.1392C>T variant is not predicted to result in an amino acid change (p.=). This variant is predicted to impact splicing based on splicing prediction programs (SpliceAI, Jaganathan et al. 2019. PubMed ID: 30661751). However, the use of computer prediction programs is not equivalent to functional evidence. This variant has been observed in one of the siblings who both harbor compound heterozygous variants in the SORD gene and present with severe motor and sensory axonal polyneuropathy (Dratch et al. 2024. PubMed ID: 38392311). This variant is reported in 0.0035% of alleles in individuals of European (Non-Finnish) descent in gnomAD. At this time, the clinical significance of this variant is uncertain due to the absence of conclusive functional and genetic evidence.

Mayo Clinic Laboratories, Mayo Clinic
Classification: Uncertain significance. Last evaluated: 2021-06-17. Review status: criteria provided, single submitter. Criteria: ACMG Guidelines, 2015. Collection method: clinical testing. Allele origin: germline.